The following is an entry in ClinVar:

NM_000278.5(PAX2):c.491C>T (p.Thr164Ile)

Gene: PAX2 (paired box 2; plus strand). Cytogenetic location: 10q24.31.
Variant type: single nucleotide variant.
Coding change: c.491C>T on transcript NM_000278.5 (MANE Select); coding-DNA position 491, C replaced by T.
Protein change: p.Thr164Ile; replaces threonine 164 with isoleucine.
Molecular consequence: missense variant.
Genome position (GRCh38, 1-based): chr10:100,779,578, C>T. VCF-style: chr10-100779578-C-T. GRCh37 (hg19) VCF-style: chr10-102539335-C-T.
Other names: c.584C>T, p.Thr195Ile (NM_001304569.2); c.491C>T, p.Thr164Ile (NM_003987.5, NM_003988.5, NM_003989.5 and 1 more transcripts); short protein forms T164I, T195I.
Identifiers: ClinVar variation 4786709 (VCV004786709.1).
Genomic context (GRCh38, chr10:100,779,578, plus strand): 5'-AGCAGCCTTTCCACCCAACGCCGGATGGGGCTGGGACAGGAGTGACCGCCCCTGGCCACA[C>T]CATTGGTAAGAGGGCTCAGGGAAGGGGAGGAAACCAGATCCCACCTAGAGAAAGGCAGGA-3'
Protein context (NP_000269.3, residues 154-174): AGTGVTAPGH[Thr164Ile]IVPSTASPPV

ClinVar aggregate classification (germline): Uncertain significance (1 of 4 stars; one submission).

Conditions:
Focal segmental glomerulosclerosis 7 (FSGS7). Identifiers: Orphanet 656, MedGen C4014925, MONDO:0014451, OMIM 616002.
Renal coloboma syndrome (PAPRS). Also called: PAPILLORENAL SYNDROME; COLOBOMA OF OPTIC NERVE WITH RENAL DISEASE; OPTIC COLOBOMA, VESICOURETERAL REFLUX, AND RENAL ANOMALIES; OPTIC NERVE COLOBOMA WITH RENAL DISEASE; RENAL-COLOBOMA SYNDROME WITH MACULAR ABNORMALITIES; PAPILLORENAL SYNDROME WITH MILD OCULAR ABNORMALITIES. Identifiers: Orphanet 1475, MedGen C1852759, MONDO:0007352, OMIM 120330.

gnomAD v4.1: 3 of 1,582,878 alleles (0.00019%); highest among the groups gnomAD compares: South Asian, 0.0012%; no homozygotes.

Submission:

Labcorp Genetics (formerly Invitae), Labcorp
Classification: Uncertain significance for Renal coloboma syndrome; Focal segmental glomerulosclerosis 7. Last evaluated: 2025-11-15. Review status: criteria provided, single submitter. Criteria: Invitae Variant Classification Sherloc (09022015). Collection method: clinical testing. Allele origin: germline.
Comment: This sequence change replaces threonine, which is neutral and polar, with isoleucine, which is neutral and non-polar, at codon 164 of the PAX2 protein (p.Thr164Ile). The frequency data for this variant in the population databases is considered unreliable, as metrics indicate poor data quality at this position in the gnomAD database. This variant has not been reported in the literature in individuals affected with PAX2-related conditions. Experimental studies and prediction algorithms are not available or were not evaluated, and the functional significance of this variant is currently unknown. In summary, the available evidence is currently insufficient to determine the role of this variant in disease. Therefore, it has been classified as a Variant of Uncertain Significance.